The following is an entry in ClinVar:

ClinVar aggregate classification (germline): Uncertain significance (1 of 4 stars; one submission).

Conditions:
Neuronopathy, distal hereditary motor, type 2C. Also called: NEUROPATHY, DISTAL HEREDITARY MOTOR, AUTOSOMAL DOMINANT 4; NEURONOPATHY, DISTAL HEREDITARY MOTOR, HARDING TYPE IIC; NEUROPATHY, DISTAL HEREDITARY MOTOR, HARDING TYPE IIC; HMN IIC. Identifiers: Orphanet 139525, MedGen C3150619, MONDO:0013243, OMIM 613376.

Submission:

Labcorp Genetics (formerly Invitae), Labcorp
Classification: Uncertain significance for Neuronopathy, distal hereditary motor, type 2C. Last evaluated: 2019-01-29. Review status: criteria provided, single submitter. Criteria: Invitae Variant Classification Sherloc (09022015). Collection method: clinical testing. Allele origin: germline.
Comment: A gross deletion of the genomic region encompassing the full coding sequence of the HSPB3 gene has been identified. The boundaries of this event are unknown as the deletion extends beyond the assayed region for this gene and therefore may encompass additional genes. This variant has not been reported in the literature in individuals with HSPB3-related conditions. The current clinical and genetic evidence is not sufficient to establish whether loss-of-function variants in HSPB3 cause disease. In summary, the available evidence is currently insufficient to determine the role of this variant in disease. Therefore, it has been classified as a Variant of Uncertain Significance.

NC_000005.10:g.(?_54455780)_(54456252_?)del

Gene: HSPB3 (heat shock protein family B (small) member 3; plus strand). Cytogenetic location: 5q11.2.
Variant type: Deletion.
Identifiers: ClinVar variation 832677 (VCV000832677.2).